The following is an entry in ClinVar:

ClinVar aggregate classification (germline): Uncertain significance (1 of 4 stars; one submission).

Allele frequency attached by ClinVar (database versions not stated): TOPMed below 0.00001; gnomAD 0.00002.
gnomAD v4.1: 12 of 1,613,866 alleles (0.00074%); highest among the groups gnomAD compares: African/African-American, 0.0013%; no homozygotes.

Submission:

Labcorp Genetics (formerly Invitae), Labcorp
Classification: Uncertain significance. Last evaluated: 2025-10-08. Review status: criteria provided, single submitter. Criteria: Invitae Variant Classification Sherloc (09022015). Collection method: clinical testing. Allele origin: germline.
Comment: This sequence change replaces leucine, which is neutral and non-polar, with valine, which is neutral and non-polar, at codon 4633 of the HERC1 protein (p.Leu4633Val). This variant is present in population databases (rs747466701, gnomAD 0.004%). This variant has not been reported in the literature in individuals affected with HERC1-related conditions. ClinVar contains an entry for this variant (Variation ID: 2891345). Invitae Evidence Modeling of protein sequence and biophysical properties (such as structural, functional, and spatial information, amino acid conservation, physicochemical variation, residue mobility, and thermodynamic stability) indicates that this missense variant is not expected to disrupt HERC1 protein function with a negative predictive value of 80%. In summary, the available evidence is currently insufficient to determine the role of this variant in disease. Therefore, it has been classified as a Variant of Uncertain Significance.

NM_003922.4(HERC1):c.13897C>G (p.Leu4633Val)

Gene: HERC1 (HECT and RLD domain containing E3 ubiquitin protein ligase family member 1; minus strand). Cytogenetic location: 15q22.31.
Variant type: single nucleotide variant.
Coding change: c.13897C>G on transcript NM_003922.4 (MANE Select); coding-DNA position 13897, C replaced by G.
Protein change: p.Leu4633Val; replaces leucine 4633 with valine.
Molecular consequence: missense variant.
Genome position (GRCh38, 1-based): chr15:63,616,474, G>C on the plus strand (C>G on the coding strand, the complement: HERC1 is on the minus strand). VCF-style: chr15-63616474-G-C. GRCh37 (hg19) VCF-style: chr15-63908673-G-C.
Other names: short protein forms L4633V.
Identifiers: ClinVar variation 2891345 (VCV002891345.3), dbSNP rs747466701, ClinGen allele CA7603630.